The following is an entry in ClinVar:

NM_032409.3(PINK1):c.935G>A (p.Arg312Gln)

Genes: PINK1 (PTEN induced kinase 1; plus strand), PINK1-AS (PINK1 antisense RNA; minus strand). Cytogenetic location: 1p36.12.
Variant type: single nucleotide variant.
Coding change: c.935G>A on transcript NM_032409.3 (MANE Select); coding-DNA position 935, G replaced by A.
Protein change: p.Arg312Gln; replaces arginine 312 with glutamine.
Molecular consequence: missense variant.
Genome position (GRCh38, 1-based): chr1:20,644,648, G>A. VCF-style: chr1-20644648-G-A. GRCh37 (hg19) VCF-style: chr1-20971141-G-A.
Other names: short protein forms R312Q.
Identifiers: ClinVar variation 465847 (VCV000465847.8), dbSNP rs202128685, ClinGen allele CA660581.

ClinVar aggregate classification (germline): Uncertain significance. Review status: criteria provided, multiple submitters, no conflicts (2 of 4 stars). 2 submissions from 2 submitters: Uncertain significance (2). Last evaluated 2022-12-09.

Conditions:
Autosomal recessive early-onset Parkinson disease 6 (PARK6). Also called: PINK1 Type of Young-Onset Parkinson Disease; PARKINSON DISEASE 6, EARLY-ONSET; PINK1-Related Parkinson Disease; PARKINSON DISEASE 6, MODIFIER OF. Identifiers: Orphanet 2828, MedGen C1853833, MONDO:0011613, OMIM 605909.

Allele frequency attached by ClinVar (database versions not stated): ExAC 0.00002; gnomAD 0.00002 and 0.00003; gnomAD exomes 0.00002 and 0.00003; TOPMed 0.00004; 1000 Genomes Project 30x 0.00016; 1000 Genomes Project 0.00020.
gnomAD v4.1: 50 of 1,614,200 alleles (0.0031%); highest among the groups gnomAD compares: East Asian, 0.02%; no homozygotes.

Submissions (2):

Athena Diagnostics
Classification: Uncertain significance. Last evaluated: 2022-12-09. Review status: criteria provided, single submitter. Criteria: Athena Diagnostics Criteria. Collection method: clinical testing. Allele origin: unknown.
Comment: Available data are insufficient to determine the clinical significance of the variant at this time. The frequency of this variant in the general population is uninformative in assessment of its pathogenicity. Computational tools disagree on the variant's effect on normal protein function. The variant is located in a region that is considered important for protein function and/or structure.

Labcorp Genetics (formerly Invitae), Labcorp
Classification: Uncertain significance for Autosomal recessive early-onset Parkinson disease 6. Last evaluated: 2022-03-22. Review status: criteria provided, single submitter. Criteria: Invitae Variant Classification Sherloc (09022015). Collection method: clinical testing. Allele origin: germline.
Comment: This sequence change replaces arginine, which is basic and polar, with glutamine, which is neutral and polar, at codon 312 of the PINK1 protein (p.Arg312Gln). This variant is present in population databases (rs202128685, gnomAD 0.006%). In summary, the available evidence is currently insufficient to determine the role of this variant in disease. Therefore, it has been classified as a Variant of Uncertain Significance. Algorithms developed to predict the effect of missense changes on protein structure and function are either unavailable or do not agree on the potential impact of this missense change (SIFT: "Tolerated"; PolyPhen-2: "Probably Damaging"; Align-GVGD: "Class C0"). ClinVar contains an entry for this variant (Variation ID: 465847). This missense change has been observed in individual(s) with Parkinson disease (PMID: 32713623).

Literature cited by the submitters: PubMed 32713623 (cited by Athena Diagnostics and Labcorp Genetics (formerly Invitae), Labcorp); PubMed 33845304 (cited by Athena Diagnostics); PubMed 32249012 (cited by Athena Diagnostics).